The following is an entry in ClinVar:

NM_002582.4(PARN):c.840+168A>G

Gene: PARN (poly(A)-specific ribonuclease; minus strand). Cytogenetic location: 16p13.12.
Variant type: single nucleotide variant.
Coding change: c.840+168A>G on transcript NM_002582.4 (MANE Select); 168 bases into the intron after coding-DNA position 840, A replaced by G.
Molecular consequence: intron variant.
Genome position (GRCh38, 1-based): chr16:14,599,736, T>C on the plus strand (A>G on the coding strand, the complement: PARN is on the minus strand). VCF-style: chr16-14599736-T-C. GRCh37 (hg19) VCF-style: chr16-14693593-T-C.
Other names: c.657+168A>G (NM_001134477.3); c.702+168A>G (NM_001242992.2).
Identifiers: ClinVar variation 2646240 (VCV002646240.24), dbSNP rs147930511, ClinGen allele CA278525121.

ClinVar aggregate classification (germline): Benign (1 of 4 stars; one submission).

Allele frequency attached by ClinVar (database versions not stated): 1000 Genomes Project 30x 0.00219; 1000 Genomes Project 0.00240; TOPMed 0.00631; gnomAD 0.00783.
gnomAD v4.1: 1,177 of 152,310 alleles (0.77%); highest among the groups gnomAD compares: Non-Finnish European, 1.1%; 14 homozygotes.

Submission:

CeGaT Center for Human Genetics Tuebingen
Classification: Benign. Last evaluated: 2022-12-01. Review status: criteria provided, single submitter. Criteria: CeGaT Center For Human Genetics Tuebingen Variant Classification Criteria Version 2. Collection method: clinical testing. Allele origin: germline. Affected: yes. Observed: 4 variant alleles.
Comment: PARN: BS1, BS2